The following is an entry in ClinVar:

NM_032119.4(ADGRV1):c.11648A>G (p.Asp3883Gly)

Gene: ADGRV1 (adhesion G protein-coupled receptor V1; plus strand). Cytogenetic location: 5q14.3.
Variant type: single nucleotide variant.
Coding change: c.11648A>G on transcript NM_032119.4 (MANE Select); coding-DNA position 11648, A replaced by G.
Protein change: p.Asp3883Gly; replaces aspartic acid 3883 with glycine.
Molecular consequence: missense variant. On other transcripts: non-coding transcript variant (1).
Genome position (GRCh38, 1-based): chr5:90,756,521, A>G. VCF-style: chr5-90756521-A-G. GRCh37 (hg19) VCF-style: chr5-90052338-A-G.
Other names: short protein forms D3883G.
Identifiers: ClinVar variation 2114974 (VCV002114974.4), dbSNP rs2531645828, ClinGen allele CA360368401.

ClinVar aggregate classification (germline): Uncertain significance (1 of 4 stars; one submission).

Submission:

Labcorp Genetics (formerly Invitae), Labcorp
Classification: Uncertain significance. Last evaluated: 2022-10-17. Review status: criteria provided, single submitter. Criteria: Invitae Variant Classification Sherloc (09022015). Collection method: clinical testing. Allele origin: germline.
Comment: In summary, the available evidence is currently insufficient to determine the role of this variant in disease. Therefore, it has been classified as a Variant of Uncertain Significance. Algorithms developed to predict the effect of missense changes on protein structure and function output the following: SIFT: "Tolerated"; PolyPhen-2: "Probably Damaging"; Align-GVGD: "Class C0". The glycine amino acid residue is found in multiple mammalian species, which suggests that this missense change does not adversely affect protein function. This variant has not been reported in the literature in individuals affected with ADGRV1-related conditions. This variant is not present in population databases (gnomAD no frequency). This sequence change replaces aspartic acid, which is acidic and polar, with glycine, which is neutral and non-polar, at codon 3883 of the ADGRV1 protein (p.Asp3883Gly).